The following is an entry in ClinVar:

ClinVar aggregate classification (germline): Uncertain significance (1 of 4 stars; one submission).

Conditions:
Gastrointestinal stromal tumor. Also called: Gastrointestinal stromal tumor, somatic; Gastrointestinal stroma tumor. Identifiers: Orphanet 44890, MedGen C0238198, MeSH D046152, MONDO:0011719, OMIM 606764, HP:0100723.

gnomAD v4.1: 1 of 1,614,152 alleles (0.000062%); highest among the groups gnomAD compares: Non-Finnish European, 0.000085%; no homozygotes.

Submission:

Labcorp Genetics (formerly Invitae), Labcorp
Classification: Uncertain significance for Gastrointestinal stromal tumor. Last evaluated: 2025-06-04. Review status: criteria provided, single submitter. Criteria: Invitae Variant Classification Sherloc (09022015). Collection method: clinical testing. Allele origin: germline.
Comment: This sequence change replaces lysine, which is basic and polar, with isoleucine, which is neutral and non-polar, at codon 270 of the PDGFRA protein (p.Lys270Ile). This variant is not present in population databases (gnomAD no frequency). This variant has not been reported in the literature in individuals affected with PDGFRA-related conditions. Invitae Evidence Modeling of protein sequence and biophysical properties (such as structural, functional, and spatial information, amino acid conservation, physicochemical variation, residue mobility, and thermodynamic stability) indicates that this missense variant is not expected to disrupt PDGFRA protein function with a negative predictive value of 80%. In summary, the available evidence is currently insufficient to determine the role of this variant in disease. Therefore, it has been classified as a Variant of Uncertain Significance.

NM_006206.6(PDGFRA):c.809A>T (p.Lys270Ile)

Gene: PDGFRA (platelet derived growth factor receptor alpha; plus strand). Cytogenetic location: 4q12.
Variant type: single nucleotide variant.
Coding change: c.809A>T on transcript NM_006206.6 (MANE Select); coding-DNA position 809, A replaced by T.
Protein change: p.Lys270Ile; replaces lysine 270 with isoleucine.
Molecular consequence: missense variant.
Genome position (GRCh38, 1-based): chr4:54,267,338, A>T. VCF-style: chr4-54267338-A-T. GRCh37 (hg19) VCF-style: chr4-55133505-A-T.
Other names: c.809A>T, p.Lys270Ile (NM_001347827.2, NM_001347829.2); c.884A>T, p.Lys295Ile (NM_001347828.2); c.848A>T, p.Lys283Ile (NM_001347830.2); short protein forms K270I, K283I, K295I.
Identifiers: ClinVar variation 4743323 (VCV004743323.1).